The following is an entry in ClinVar:

ClinVar aggregate classification (germline): Uncertain significance (1 of 4 stars; one submission).

Conditions:
Larsen-like syndrome, B3GAT3 type. Also called: Multiple joint dislocations, short stature, craniofacial dysmorphism, with or without congenital heart defects; MULTIPLE JOINT DISLOCATIONS, SHORT STATURE, AND CRANIOFACIAL DYSMORPHISM WITH OR WITHOUT CONGENITAL HEART DEFECTS. Identifiers: Orphanet 284139, MedGen CN034159, MONDO:0009511, OMIM 245600.

Allele frequency attached by ClinVar (database versions not stated): gnomAD exomes below 0.00001.

Submission:

Labcorp Genetics (formerly Invitae), Labcorp
Classification: Uncertain significance for Larsen-like syndrome, B3GAT3 type. Last evaluated: 2022-06-17. Review status: criteria provided, single submitter. Criteria: Invitae Variant Classification Sherloc (09022015). Collection method: clinical testing. Allele origin: germline.
Comment: Algorithms developed to predict the effect of missense changes on protein structure and function are either unavailable or do not agree on the potential impact of this missense change (SIFT: "Deleterious"; PolyPhen-2: "Possibly Damaging"; Align-GVGD: "Class C15"). In summary, the available evidence is currently insufficient to determine the role of this variant in disease. Therefore, it has been classified as a Variant of Uncertain Significance. This variant has not been reported in the literature in individuals affected with B3GAT3-related conditions. This variant is not present in population databases (gnomAD no frequency). This sequence change replaces isoleucine, which is neutral and non-polar, with valine, which is neutral and non-polar, at codon 77 of the B3GAT3 protein (p.Ile77Val).

NM_012200.4(B3GAT3):c.229A>G (p.Ile77Val)

Gene: B3GAT3 (beta-1,3-glucuronyltransferase 3; minus strand). Cytogenetic location: 11q12.3.
Variant type: single nucleotide variant.
Coding change: c.229A>G on transcript NM_012200.4 (MANE Select); coding-DNA position 229, A replaced by G.
Protein change: p.Ile77Val; replaces isoleucine 77 with valine.
Molecular consequence: missense variant. On other transcripts: non-coding transcript variant (1).
Genome position (GRCh38, 1-based): chr11:62,620,525, T>C on the plus strand (A>G on the coding strand, the complement: B3GAT3 is on the minus strand). VCF-style: chr11-62620525-T-C. GRCh37 (hg19) VCF-style: chr11-62387997-T-C.
Other names: c.208A>G, p.Ile70Val (NM_001288721.2); c.229A>G, p.Ile77Val (NM_001288722.2, NM_001288723.2); short protein forms I70V, I77V.
Identifiers: ClinVar variation 1983564 (VCV001983564.4), dbSNP rs2496251035, ClinGen allele CA380980569.
Genomic context (GRCh38, chr11:62,620,525, plus strand): 5'-CGCAGACCTCTTGAGTGCACCAGAGCCCATACCTGGCATAGGTGGGGGTAACAACATAGA[T>C]AGTAGGCAGGGCCTCGGGTTCAGGGGGCTGGGCAGGGGCAGGGGGTGGCCGTCGGAGTTC-3'
Protein context (NP_036332.2, residues 67-87): QPPEPEALPT[Ile77Val]YVVTPTYARL